The following is an entry in ClinVar:

ClinVar aggregate classification (germline): Benign/Likely benign. Review status: criteria provided, multiple submitters, no conflicts (2 of 4 stars). 7 submissions from 7 submitters: Benign (3); Likely benign (3). 1 of the submissions does not count toward it. Last evaluated 2026-02-01.

Conditions:
D-2-hydroxyglutaric aciduria 1 (D2HGA1). Identifiers: Orphanet 79315, MedGen C3152055, MONDO:0024554, OMIM 600721.

Allele frequency attached by ClinVar (database versions not stated): gnomAD 0.00845; TOPMed 0.01201; 1000 Genomes Project 30x 0.01843; 1000 Genomes Project 0.01917; gnomAD exomes 0.02938.

Submissions (7):

Labcorp Genetics (formerly Invitae), Labcorp
Classification: Benign for D-2-hydroxyglutaric aciduria 1. Last evaluated: 2026-02-01. Review status: criteria provided, single submitter. Criteria: Invitae Variant Classification Sherloc (09022015). Collection method: clinical testing. Allele origin: germline.

GeneDx
Classification: Benign. Last evaluated: 2021-05-05. Review status: criteria provided, single submitter. Criteria: GeneDx Variant Classification Process June 2021. Collection method: clinical testing. Allele origin: germline. Affected: yes.

Illumina Laboratory Services, Illumina
Classification: Benign for D-2-hydroxyglutaric aciduria 1. Last evaluated: 2017-04-27. Review status: criteria provided, single submitter. Criteria: ICSL Variant Classification Criteria 13 December 2019. Collection method: clinical testing. Allele origin: germline.
Comment: This variant was observed as part of a predisposition screen in an ostensibly healthy population. A literature search was performed for the gene, cDNA change, and amino acid change (where applicable). Publications were found based on this search. The evidence from the literature, in combination with allele frequency data from public databases where available, was sufficient to rule this variant out of causing disease. Therefore, this variant is classified as benign.

Center for Pediatric Genomic Medicine, Children's Mercy Hospital and Clinics
Classification: Likely benign. Last evaluated: 2016-06-10. Review status: criteria provided, single submitter. Criteria: ACMG Guidelines, 2015. Collection method: clinical testing. Allele origin: germline.
ClinVar note: Converted during submission from Likely Benign to Likely benign.

Genetic Services Laboratory, University of Chicago
Classification: Likely benign. Last evaluated: 2013-10-31. Review status: criteria provided, single submitter. Criteria: ACMG Guidelines, 2007. Collection method: clinical testing. Allele origin: germline. Inheritance: Autosomal recessive inheritance.
Comment: Likely benign based on allele frequency in 1000 Genomes Project or ESP global frequency and its presence in a patient with a rare or unrelated disease phenotype. NOT Sanger confirmed

Breakthrough Genomics
Classification: Likely benign. Review status: criteria provided, single submitter. Criteria: ACMG Guidelines, 2015. Collection method: not provided. Allele origin: germline. Inheritance: Autosomal recessive inheritance. Affected: yes.

Mayo Clinic Laboratories, Mayo Clinic
Classification: Benign. Last evaluated: 2017-11-08. Review status: no assertion criteria provided. Collection method: clinical testing. Allele origin: unknown. Not counted in ClinVar's aggregate classification.

Literature cited by the submitters: PubMed 16442322 (cited by Illumina Laboratory Services, Illumina).

NM_152783.5(D2HGDH):c.43C>G (p.Arg15Gly)

Genes: D2HGDH (D-2-hydroxyglutarate dehydrogenase; plus strand), LOC129936031 (ATAC-STARR-seq lymphoblastoid silent region 12558; plus strand). Cytogenetic location: 2q37.3.
Variant type: single nucleotide variant.
Coding change: c.43C>G on transcript NM_152783.5 (MANE Select); coding-DNA position 43, C replaced by G.
Protein change: p.Arg15Gly; replaces arginine 15 with glycine.
Molecular consequence: missense variant. On other transcripts: 5 prime UTR variant (1), non-coding transcript variant (1), intron variant (1).
Genome position (GRCh38, 1-based): chr2:241,735,267, C>G. VCF-style: chr2-241735267-C-G. GRCh37 (hg19) VCF-style: chr2-242674682-C-G.
Other names: c.-502C>G (NM_001352824.2); c.-111+572C>G (NM_001287249.2); short protein forms R15G.
Identifiers: ClinVar variation 158420 (VCV000158420.26), dbSNP rs4675887, ClinGen allele CA171839.